The following is an entry in ClinVar:

NM_001382391.1(CSPP1):c.191G>A (p.Gly64Asp)

Gene: CSPP1 (centrosome and spindle pole associated protein 1; plus strand). Cytogenetic location: 8q13.1.
Variant type: single nucleotide variant.
Coding change: c.191G>A on transcript NM_001382391.1 (MANE Select); coding-DNA position 191, G replaced by A.
Protein change: p.Gly64Asp; replaces glycine 64 with aspartic acid.
Molecular consequence: missense variant.
Genome position (GRCh38, 1-based): chr8:67,076,573, G>A. VCF-style: chr8-67076573-G-A. GRCh37 (hg19) VCF-style: chr8-67988808-G-A.
Other names: c.191G>A, p.Gly64Asp (NM_001363131.2, NM_001363132.2, NM_001363133.2); c.299G>A, p.Gly100Asp (NM_001364869.1, NM_001364870.1, NM_024790.7); short protein forms G100D, G64D.
Identifiers: ClinVar variation 954983 (VCV000954983.10), dbSNP rs1807963359, ClinGen allele CA371212422.

ClinVar aggregate classification (germline): Uncertain significance. Review status: criteria provided, multiple submitters, no conflicts (2 of 4 stars). 2 submissions from 2 submitters: Uncertain significance (2). Last evaluated 2021-11-08.

Conditions:
Joubert syndrome 21 (JBTS21). Identifiers: MedGen C3810212, MONDO:0014288, OMIM 615636.

Allele frequency attached by ClinVar (database versions not stated): gnomAD exomes 0.00002.
gnomAD v4.1: 21 of 1,574,436 alleles (0.0013%); highest among the groups gnomAD compares: Non-Finnish European, 0.0018%; no homozygotes.

Submissions (2):

Blueprint Genetics
Classification: Uncertain significance. Last evaluated: 2021-11-08. Review status: criteria provided, single submitter. Criteria: ACMG Guidelines, 2015. Collection method: clinical testing. Allele origin: germline.

Labcorp Genetics (formerly Invitae), Labcorp
Classification: Uncertain significance for Joubert syndrome 21. Last evaluated: 2019-10-15. Review status: criteria provided, single submitter. Criteria: Invitae Variant Classification Sherloc (09022015). Collection method: clinical testing. Allele origin: germline.
Comment: This sequence change replaces glycine with aspartic acid at codon 100 of the CSPP1 protein (p.Gly100Asp). The glycine residue is weakly conserved and there is a moderate physicochemical difference between glycine and aspartic acid. This variant is not present in population databases (ExAC no frequency). This variant has not been reported in the literature in individuals with CSPP1-related conditions. Algorithms developed to predict the effect of missense changes on protein structure and function output the following: SIFT: "Tolerated"; PolyPhen-2: "Possibly Damaging"; Align-GVGD: "Class C0". The aspartic acid amino acid residue is found in multiple mammalian species, suggesting that this missense change does not adversely affect protein function. These predictions have not been confirmed by published functional studies and their clinical significance is uncertain. In summary, the available evidence is currently insufficient to determine the role of this variant in disease. Therefore, it has been classified as a Variant of Uncertain Significance.